The following is an entry in ClinVar:

NM_000545.8(HNF1A):c.1136_1137del (p.Pro379fs)

Gene: HNF1A (HNF1 homeobox A; plus strand). Cytogenetic location: 12q24.31.
Variant type: Deletion.
Coding change: c.1136_1137del on transcript NM_000545.8 (MANE Select); coding-DNA positions 1136 to 1137, 2 bases deleted (CT; older notation c.1136_1137delCT).
Protein change: p.Pro379fs; shifts the reading frame from proline 379.
Molecular consequence: frameshift variant.
Genome position (GRCh38, 1-based): chr12:120,996,569-120,996,570, CT deleted. VCF-style (leftmost placement, unchanged base first): chr12-120996568-CCT-C. GRCh37 (hg19) VCF-style: chr12-121434371-CCT-C.
Other names: c.1136_1137del, p.Pro379fs (NM_001306179.2); c.1136_1137delCT (NM_000545.5, NM_000545.8); short protein forms P379fs.
Identifiers: ClinVar variation 805627 (VCV000805627.19), dbSNP rs1593060890, ClinGen allele CA658820837.

ClinVar aggregate classification (germline): Pathogenic/Likely pathogenic. Review status: criteria provided, multiple submitters, no conflicts (2 of 4 stars). 9 submissions from 9 submitters: Pathogenic (8); Likely pathogenic (1). Last evaluated 2026-06-03.

Conditions:
Maturity-onset diabetes of the young (MODY). Also called: Maturity onset diabetes mellitus in young. Identifiers: Orphanet 552, MedGen C0342276, MONDO:0018911, HP:0004904.
Maturity-onset diabetes of the young type 3. Also called: MODY type 3; MODY, type III. Identifiers: Orphanet 552, MedGen C1838100, MeSH C563933, MONDO:0010894, OMIM 600496. Disease mechanism: loss of function.

Allele frequency attached by ClinVar (database versions not stated): gnomAD exomes below 0.00001.

Submissions (9):

Women's Health and Genetics/Laboratory Corporation of America, LabCorp
Classification: Pathogenic for Maturity-onset diabetes of the young. Last evaluated: 2026-06-03. Review status: criteria provided, single submitter. Criteria: LabCorp Variant Classification Summary - May 2015. Collection method: clinical testing. Allele origin: germline.
Comment: Variant summary: HNF1A c.1136_1137delCT (p.Pro379ArgfsX39) results in a premature termination codon, predicted to cause a truncation of the encoded protein or absence of the protein due to nonsense mediated decay, which are commonly known mechanisms for disease. The variant was absent in 250080 control chromosomes. c.1136_1137delCT has been observed in multiple heterozygous individuals affected with Maturity Onset Diabetes Of The Young 3 (e.g. Yamagata_1996). These data indicate that the variant is likely to be associated with disease. At least one publication reports experimental evidence evaluating an impact on protein function (Yang_1999). The most pronounced variant effect results in reduced transactivation activity of 36% of wild type in HeLa cells and 48% of wild type in MIN6 insulin-secreting -cell-like cells, and abnormal nuclear localization. The following publications have been ascertained in the context of this evaluation (PMID: 10581189, 8945470). ClinVar contains an entry for this variant (Variation ID: 805627). Based on the evidence outlined above, the variant was classified as pathogenic.

Labcorp Genetics (formerly Invitae), Labcorp
Classification: Pathogenic. Last evaluated: 2025-07-30. Review status: criteria provided, single submitter. Criteria: Invitae Variant Classification Sherloc (09022015). Collection method: clinical testing. Allele origin: germline.
Comment: This sequence change creates a premature translational stop signal (p.Pro379Argfs*39) in the HNF1A gene. It is expected to result in an absent or disrupted protein product. Loss-of-function variants in HNF1A are known to be pathogenic (PMID: 15928245, 18003757). This variant is not present in population databases (gnomAD no frequency). This premature translational stop signal has been observed in individual(s) with maturity-onset diabetes of the young (PMID: 8945470, 31216263). This variant is also known as P379fsdelCT. ClinVar contains an entry for this variant (Variation ID: 805627). For these reasons, this variant has been classified as Pathogenic.

Baylor Genetics
Classification: Pathogenic for Maturity-onset diabetes of the young type 3. Last evaluated: 2024-01-26. Review status: criteria provided, single submitter. Criteria: ACMG Guidelines, 2015. Collection method: clinical testing. Allele origin: unknown.

GeneDx
Classification: Pathogenic. Last evaluated: 2023-08-16. Review status: criteria provided, single submitter. Criteria: GeneDx Variant Classification Process June 2021. Collection method: clinical testing. Allele origin: germline. Affected: yes.
Comment: Frameshift variant predicted to result in protein truncation or nonsense mediated decay in a gene for which loss of function is a known mechanism of disease; Published functional studies suggest a damaging effect with impaired transactivation activity and nuclear transport (PMID: 10581189); Not observed at significant frequency in large population cohorts (gnomAD); Also known as P379delCT; This variant is associated with the following publications: (PMID: 10581189, 8945470, 23348805, 29666556, 37197360, 15305805, 31216263, 12574234, 16917892, 27634015)

ARUP Laboratories, Molecular Genetics and Genomics, ARUP Laboratories
Classification: Pathogenic. Last evaluated: 2022-03-16. Review status: criteria provided, single submitter. Criteria: ARUP Molecular Germline Variant Investigation Process 2021. Collection method: clinical testing. Allele origin: germline.
Comment: The HNF1A c.1136_1137delCT; p.Pro379ArgfsTer39 variant (rs1593060890) is reported in the literature in individuals with MODY (Brahm 2016, Pavic 2018, Yamagata 1996) and is also reported in ClinVar (Variation ID: 805627). Additionally, functional studies show an effect on transactivation activity and nuclear import of the variant protein (Yang 1999). This variant is absent from the Genome Aggregation Database, indicating it is not a common polymorphism. This variant causes a frameshift by deleting two nucleotides, resulting in a truncated protein. Based on available information, this variant is considered to be pathogenic. References: Brahm AJ et al. Genetic Confirmation Rate in Clinically Suspected Maturity-Onset Diabetes of the Young. Can J Diabetes. 2016 Dec;40(6):555-560. PMID: 27634015. Pavic T et al. Maturity onset diabetes of the young due to HNF1A variants in Croatia. Biochem Med (Zagreb). 2018 Jun 15;28(2):020703. PMID: 29666556. Yamagata K et al. Mutations in the hepatocyte nuclear factor-1alpha gene in maturity-onset diabetes of the young (MODY3). Nature. 1996 Dec 5;384(6608):455-8. PMID: 8945470. Yang Q et al. Structure/function studies of hepatocyte nuclear factor-1alpha, a diabetes-associated transcription factor. Biochem Biophys Res Commun. 1999 Dec 9;266(1):196-202. PMID: 10581189.

Athena Diagnostics
Classification: Pathogenic. Last evaluated: 2020-12-09. Review status: criteria provided, single submitter. Criteria: Athena Diagnostics Criteria. Collection method: clinical testing. Allele origin: unknown.
Comment: This variant is expected to result in the loss of a functional protein. This variant has not been reported in large, multi-ethnic general populations. This variant segregates with disease in multiple families. Assessment of experimental evidence suggests this variant results in abnormal protein function. This variant abolishes the transcriptional activity of the protein (PMID: 10581189).

Ambry Genetics
Classification: Pathogenic for Maturity-onset diabetes of the young. Last evaluated: 2019-01-14. Review status: criteria provided, single submitter. Criteria: Ambry Variant Classification Scheme 2023. Collection method: clinical testing. Allele origin: germline.
Comment: The c.1136_1137delCT pathogenic mutation, located in coding exon 6 of the HNF1A gene, results from a deletion of two nucleotides at nucleotide positions 1136 to 1137, causing a translational frameshift with a predicted alternate stop codon (p.P379Rfs*39). This mutation, designated as P379fsdelCT, was observed in one family to co-segregate with disease in 5 affected and 2 unaffected family members (Yamagata K et al. Nature, 1996 Dec;384:455-8). Functional studies demonstrated this mutation caused incorrect localization and accumulation of the protein in the cytoplasm and nucleus; DNA binding ability was also reduced to 30-40% of wild type protein (Bj&oslash;rkhaug L et al. J. Clin. Endocrinol. Metab., 2003 Feb;88:920-31). In addition to the clinical data presented in the literature, this alteration is expected to result in loss of function by premature protein truncation or nonsense-mediated mRNA decay. As such, this alteration is interpreted as a disease-causing mutation.

Clinical Genomics, Uppaluri K&H Personalized Medicine Clinic
Classification: Likely pathogenic for Maturity-onset diabetes of the young. Review status: criteria provided, single submitter. Criteria: K & H Uppaluri Personalized Medicine Clinic Variant Classification & Assertion Criteria_Updated V.1. Collection method: research. Allele origin: unknown. Inheritance: Autosomal dominant inheritance.
Comment: Mutations in HNF1A gene can predispose to MODY3. It is associated with both micro and macrovascular complications of diabetes, especially cardiovascular complications. Associated with glucosuria. May respond well to sulfonylureas. However, more evidence is required to confer the association of this particular variant rs1593060890 with MODY3.

Juno Genomics, Hangzhou Juno Genomics, Inc
Classification: Pathogenic for Maturity-onset diabetes of the young type 3. Review status: criteria provided, single submitter. Criteria: ACMG Guidelines, 2015. Collection method: clinical testing. Allele origin: germline.
Comment: Absent from controls (or at extremely low frequency if recessive) in Genome Aggregation Database.;Null variant in a gene where loss of function (LOF) is a known mechanism of disease.;The prevalence of the variant in affected individuals is significantly increased compared to the prevalence in controls.

Literature cited by the submitters: PubMed 8945470 (cited by 4 submitters); PubMed 10581189 (cited by Women's Health and Genetics/Laboratory Corporation of America, LabCorp and Athena Diagnostics); PubMed 15928245 (cited by Labcorp Genetics (formerly Invitae), Labcorp); PubMed 18003757 (cited by Labcorp Genetics (formerly Invitae), Labcorp); PubMed 31216263 (cited by Labcorp Genetics (formerly Invitae), Labcorp); PubMed 23624530 (cited by Athena Diagnostics); PubMed 20132997 (cited by Athena Diagnostics); PubMed 10634407 (cited by Athena Diagnostics); PubMed 12107757 (cited by Athena Diagnostics); PubMed 12453976 (cited by Athena Diagnostics); PubMed 12574234 (cited by Athena Diagnostics and Ambry Genetics); PubMed 15305805 (cited by Athena Diagnostics); PubMed 15657605 (cited by Athena Diagnostics); PubMed 16602010 (cited by Athena Diagnostics); PubMed 9075818 (cited by Athena Diagnostics); PubMed 9097962 (cited by Athena Diagnostics); PubMed 9287053 (cited by Athena Diagnostics); PubMed 27634015 (cited by Athena Diagnostics); PubMed 31517624 (cited by Clinical Genomics, Uppaluri K&H Personalized Medicine Clinic); PubMed 35328643 (cited by Clinical Genomics, Uppaluri K&H Personalized Medicine Clinic); PubMed 32395877 (cited by Clinical Genomics, Uppaluri K&H Personalized Medicine Clinic); PubMed 35673428 (cited by Clinical Genomics, Uppaluri K&H Personalized Medicine Clinic).